The following is an entry in ClinVar:

NM_000551.4(VHL):c.306G>T (p.Pro102=)

Gene: VHL (von Hippel-Lindau tumor suppressor; plus strand). Cytogenetic location: 3p25.3.
Variant type: single nucleotide variant.
Coding change: c.306G>T on transcript NM_000551.4 (MANE Select); coding-DNA position 306, G replaced by T.
Protein change: p.Pro102=; no amino-acid change (proline 102 retained).
Molecular consequence: synonymous variant.
Genome position (GRCh38, 1-based): chr3:10,142,153, G>T. VCF-style: chr3-10142153-G-T. GRCh37 (hg19) VCF-style: chr3-10183837-G-T.
Other names: c.306G>T, p.Pro102= (NM_001354723.2, NM_198156.3).
Identifiers: ClinVar variation 1103013 (VCV001103013.12), dbSNP rs550155859, ClinGen allele CA432420530.

ClinVar aggregate classification (germline): Benign/Likely benign. Review status: criteria provided, multiple submitters, no conflicts (2 of 4 stars). 3 submissions from 3 submitters: Benign (1); Likely benign (2). Last evaluated 2026-01-06.

Conditions:
Von Hippel-Lindau syndrome (VHLS). Also called: VHL syndrome; Von Hippel-Lindau; von Hippel–Lindau syndrome. Identifiers: Orphanet 892, MedGen C0019562, MONDO:0008667, OMIM 193300. Disease mechanism: loss of function.
Chuvash polycythemia. Also called: POLYCYTHEMIA, VHL-DEPENDENT. Identifiers: Orphanet 238557, MedGen C1837915, MONDO:0009892, OMIM 263400.
Hereditary cancer-predisposing syndrome. Also called: Neoplastic Syndromes, Hereditary; Hereditary neoplastic syndrome; Hereditary Cancer Syndrome; Tumor predisposition. Identifiers: Orphanet 140162, MedGen C0027672, MeSH D009386, MONDO:0015356.

Allele frequency attached by ClinVar (database versions not stated): gnomAD exomes below 0.00001.
gnomAD v4.1: 4 of 1,598,884 alleles (0.00025%); highest among the groups gnomAD compares: Non-Finnish European, 0.00034%; no homozygotes.

Submissions (3):

Labcorp Genetics (formerly Invitae), Labcorp
Classification: Likely benign for Von Hippel-Lindau syndrome; Chuvash polycythemia. Last evaluated: 2026-01-06. Review status: criteria provided, single submitter. Criteria: Invitae Variant Classification Sherloc (09022015). Collection method: clinical testing. Allele origin: germline.

Myriad Genetics, Inc.
Classification: Benign for Von Hippel-Lindau syndrome. Last evaluated: 2025-06-11. Review status: criteria provided, single submitter. Criteria: Myriad Autosomal Dominant, Autosomal Recessive and X-Linked Classification Criteria (2023). Collection method: clinical testing. Allele origin: unknown.
Comment: This variant is considered benign. This variant is a silent/synonymous amino acid change and it is not expected to impact splicing.

Ambry Genetics
Classification: Likely benign for Hereditary cancer-predisposing syndrome. Last evaluated: 2022-06-10. Review status: criteria provided, single submitter. Criteria: Ambry Variant Classification Scheme 2023. Collection method: clinical testing. Allele origin: germline.